The following is an entry in ClinVar:

NM_003742.4(ABCB11):c.1168G>C (p.Ala390Pro)

Gene: ABCB11 (ATP binding cassette subfamily B member 11; minus strand). Cytogenetic location: 2q31.1.
Variant type: single nucleotide variant.
Coding change: c.1168G>C on transcript NM_003742.4 (MANE Select); coding-DNA position 1168, G replaced by C.
Protein change: p.Ala390Pro; replaces alanine 390 with proline.
Molecular consequence: missense variant.
Genome position (GRCh38, 1-based): chr2:168,979,895, C>G on the plus strand (G>C on the coding strand, the complement: ABCB11 is on the minus strand). VCF-style: chr2-168979895-C-G. GRCh37 (hg19) VCF-style: chr2-169836405-C-G.
Other names: short protein forms A390P.
Identifiers: ClinVar variation 4845945 (VCV004845945.1).

ClinVar aggregate classification (germline): Uncertain significance (1 of 4 stars; one submission).

Conditions:
Familial intrahepatic cholestasis. Identifiers: Orphanet 284385, MedGen CN296401, MONDO:0017290.

Submission:

Genomenon, Inc
Classification: Uncertain significance for Familial intrahepatic cholestasis. Last evaluated: 2026-04-14. Review status: criteria provided, single submitter. Criteria: Genomenon Sequence Variant Interpretation Standards - Updated. Collection method: curation. Allele origin: germline. Affected: yes.
Comment: ABCB11 p.Ala390Pro (c.1168G>C) is a missense variant that changes the amino acid at residue 390 from Alanine to Proline. This variant has been observed in at least one proband with an ABCB11-related disorder (PMID:18395098). Functional studies have been reported (PMID:19101985). It is absent or not present at a significant frequency in gnomAD. In silico models predict that this variant is possibly or probably damaging. In conclusion, we classify ABCB11 p.Ala390Pro (c.1168G>C) as a variant of uncertain significance.

Literature cited by the submitters: PubMed 18395098; PubMed 19101985.